The following is an entry in ClinVar:

ClinVar aggregate classification (germline): Pathogenic. Review status: criteria provided, multiple submitters, no conflicts (2 of 4 stars). 14 submissions from 14 submitters: Pathogenic (10). 4 of the submissions do not count toward it. Last evaluated 2025-10-02.

Conditions:
MMAB-related disorder. Also called: MMAB-related condition.
Inborn genetic diseases. Identifiers: MedGen C0950123, MeSH D030342.
Methylmalonic aciduria, cblB type (MACB). Also called: Methylmalonic acidemia cblB type; METHYLMALONIC ACIDURIA, VITAMIN B12-RESPONSIVE, DUE TO DEFECT IN SYNTHESIS OF ADENOSYLCOBALAMIN, cblB TYPE; Vitamin B12-responsive methylmalonic acidemia type cblB. Identifiers: Orphanet 28, Orphanet 79311, MedGen C1855102, MONDO:0009614, OMIM 251110.

Allele frequency attached by ClinVar (database versions not stated): gnomAD 0.00004; TOPMed 0.00002; ExAC 0.00004; ESP Exome Variant Server 0.00008.
gnomAD v4.1: 19 of 1,510,268 alleles (0.0013%); highest among the groups gnomAD compares: African/African-American, 0.01%; no homozygotes.

Submissions (14):

Natera, Inc.
Classification: Pathogenic for Methylmalonic aciduria cblB type. Last evaluated: 2025-10-02. Review status: criteria provided, single submitter. Criteria: Natera Variant Classification Schema (03/2026). Collection method: clinical testing. Allele origin: germline.
Comment: The c.571C>T variant in MMAB is a missense variant predicted to cause substitution of arginine to tryptophan at amino acid 191. This variant is rare in the general population with a frequency below the threshold expected for the associated phenotype(s). This variant has been observed in one or more individuals affected with the associated recessive disease, as either homozygous or compound heterozygous with a second variant (PMID: 34796408). Computational prediction algorithms indicate this variant is likely to affect gene or protein function. Given the available evidence, this variant is classified as Pathogenic.

Blueprint Genetics
Classification: Pathogenic for MMAB-related disorders. Last evaluated: 2024-07-04. Review status: criteria provided, single submitter. Criteria: ACMG Guidelines, 2015. Collection method: clinical testing. Allele origin: germline. Affected: yes. Observed: 2 variant alleles.

Fulgent Genetics
Classification: Pathogenic for Methylmalonic aciduria, cblB type. Last evaluated: 2024-02-10. Review status: criteria provided, single submitter. Criteria: ACMG Guidelines, 2015. Collection method: clinical testing. Allele origin: germline.

GeneDx
Classification: Pathogenic. Last evaluated: 2024-02-05. Review status: criteria provided, single submitter. Criteria: GeneDx Variant Classification Process June 2021. Collection method: clinical testing. Allele origin: germline. Affected: yes.
Comment: Published functional studies found this variant is associated with significantly reduced enzyme activity (PMID: 16439175, 23674520); Not observed at a significant frequency in large population cohorts (gnomAD); In silico analysis, which includes protein predictors and evolutionary conservation, supports a deleterious effect; This variant is associated with the following publications: (PMID: 17948227, 17957493, 23674520, 16410054, 20556797, 27591164, 30022420, 30712249, 33453710, 34796408, 35712814, 29197662, 25087612, 16439175, 12471062)

Labcorp Genetics (formerly Invitae), Labcorp
Classification: Pathogenic for Methylmalonic aciduria, cblB type. Last evaluated: 2023-11-27. Review status: criteria provided, single submitter. Criteria: Invitae Variant Classification Sherloc (09022015). Collection method: clinical testing. Allele origin: germline.
Comment: This sequence change replaces arginine, which is basic and polar, with tryptophan, which is neutral and slightly polar, at codon 191 of the MMAB protein (p.Arg191Trp). This variant is present in population databases (rs376128990, gnomAD 0.01%). This missense change has been observed in individuals with methylmalonic aciduria cobalamin B type (PMID: 12471062, 23707710, 27591164, 30712249). ClinVar contains an entry for this variant (Variation ID: 218324). Advanced modeling of protein sequence and biophysical properties (such as structural, functional, and spatial information, amino acid conservation, physicochemical variation, residue mobility, and thermodynamic stability) performed at Invitae indicates that this missense variant is expected to disrupt MMAB protein function with a positive predictive value of 80%. Experimental studies have shown that this missense change affects MMAB function (PMID: 12471062, 20556797). This variant disrupts the p.Arg191 amino acid residue in MMAB. Other variant(s) that disrupt this residue have been determined to be pathogenic (PMID: 16410054, 23707710, 27591164; Invitae). This suggests that this residue is clinically significant, and that variants that disrupt this residue are likely to be disease-causing. For these reasons, this variant has been classified as Pathogenic.

Neuberg Centre For Genomic Medicine, NCGM
Classification: Pathogenic for Methylmalonic aciduria, cblB type. Last evaluated: 2023-05-20. Review status: criteria provided, single submitter. Criteria: ACMG Guidelines, 2015. Collection method: clinical testing. Allele origin: germline. Inheritance: Autosomal recessive inheritance. Affected: yes.
Comment: The observed missense c.571C>T(p.Arg191Trp) variant in MMAB gene has been reported previously in homozygous and compound heterozygous states in multiple individuals affected with methylmalonic aciduria cblB complementation type (Şeker Yılmaz B, et al., 2021; Keyfi F, et al., 2019; Jorge-Finnigan A, et al., 2010). Functional studies show that this variant impairs enzyme activity and affects MMAB function (Jorge-Finnigan A, et al., 2013; Zhang J, et al., 2006). The p.Arg191Trp variant has been reported with allele frequency of 0.004% in gnomAD Exomes. This variant has been submitted to the ClinVar database as Likely Pathogenic / Pathogenic (multiple submissions). Multiple lines of computational evidences (Polyphen - Probably damaging, SIFT - Damaging and MutationTaster - Disease causing) predict a damaging effect on protein structure and function for this variant. The amino acid change p.Arg191Trp in MMAB is predicted as conserved by GERP++ and PhyloP across 100 vertebrates. The amino acid Arg at position 191 is changed to a Trp changing protein sequence and it might alter its composition and physico-chemical properties. Another missense variant [c.572 G > A, p.Arg191Gln] on the same residue of this gene has previously been reported to be disease causing (Illson ML, et al., 2013), suggesting that this residue might be of clinical significance. For these reasons, this variant has been classified as Pathogenic.

Ambry Genetics
Classification: Pathogenic for Inborn genetic diseases. Last evaluated: 2021-09-24. Review status: criteria provided, single submitter. Criteria: Ambry Variant Classification Scheme 2023. Collection method: clinical testing. Allele origin: germline.
Comment: The c.571C>T (p.R191W) alteration is located in exon 7 (coding exon 7) of the MMAB gene. This alteration results from a C to T substitution at nucleotide position 571, causing the arginine (R) at amino acid position 191 to be replaced by a tryptophan (W). This mutation has been reported in the compound heterozygous and homozygous states in multiple individuals with methylmalonic aciduria cblB complementation type (Devi, 2017; Dobson, 2002; Lerner-Ellis, 2006; Mart&iacute;nez, 2005; eker Ylmaz, 2021; Shafaat, 2018). Functional studies show that this alteration impairs enzyme activity (Jorge-Finnigan, 2010; Lerner-Ellis, 2006; Zhang, 2006). This alteration is predicted to be deleterious by in silico analysis. Based on the available evidence, this alteration is classified as pathogenic.

Genome-Nilou Lab
Classification: Pathogenic for Methylmalonic aciduria, cblB type. Last evaluated: 2021-07-22. Review status: criteria provided, single submitter. Criteria: ACMG Guidelines, 2015. Collection method: clinical testing. Allele origin: germline. Affected: no.

Genomic Research Center, Shahid Beheshti University of Medical Sciences
Classification: Pathogenic for Methylmalonic aciduria, cblB type. Last evaluated: 2017-12-03. Review status: criteria provided, single submitter. Criteria: ACMG Guidelines, 2015. Collection method: clinical testing. Allele origin: inherited.

Eurofins Ntd Llc (ga)
Classification: Pathogenic. Last evaluated: 2015-11-07. Review status: criteria provided, single submitter. Criteria: EGL Classification Definitions 2015. Collection method: clinical testing. Allele origin: germline. Observed: 1 variant allele, 1 heterozygote.

Baumgartner lab, University Children's Hospital Zurich
Classification: Pathogenic for Methylmalonic aciduria, cblB type. Last evaluated: 2021-06-01. Review status: no assertion criteria provided. Collection method: clinical testing. Allele origin: germline. Affected: yes. Not counted in ClinVar's aggregate classification.

Counsyl
Classification: Likely pathogenic for Methylmalonic aciduria, cblB type. Last evaluated: 2017-10-09. Review status: no assertion criteria provided. Collection method: clinical testing. Allele origin: unknown. Not counted in ClinVar's aggregate classification.

OMIM
Classification: Pathogenic for METHYLMALONIC ACIDURIA, cblB TYPE. Last evaluated: 2010-09-01. Review status: no assertion criteria provided. Collection method: literature only. Allele origin: germline. Not counted in ClinVar's aggregate classification.

GeneReviews
No classification provided. Condition: Methylmalonic aciduria, cblB type. Review status: no classification provided. Collection method: literature only. Allele origin: germline. Affected: yes. Not counted in ClinVar's aggregate classification.

Literature cited by the submitters: PubMed 34796408 (cited by Natera, Inc.); PubMed 12471062 (cited by 4 submitters); PubMed 23707710 (cited by Labcorp Genetics (formerly Invitae), Labcorp and Counsyl); PubMed 27591164 (cited by Labcorp Genetics (formerly Invitae), Labcorp and Ambry Genetics); PubMed 30712249 (cited by Labcorp Genetics (formerly Invitae), Labcorp); PubMed 20556797 (cited by 5 submitters); PubMed 16410054 (cited by 3 submitters); PubMed 15781192 (cited by Ambry Genetics and Counsyl); PubMed 16439175 (cited by Ambry Genetics and Counsyl); PubMed 30022420 (cited by Ambry Genetics); PubMed 33453710 (cited by Ambry Genetics); PubMed 17957493 (cited by Counsyl); PubMed 18251506 (cited by Counsyl); PubMed 17948227 (cited by Counsyl); PubMed 15044458 (cited by Counsyl); PubMed 17176040 (cited by Counsyl); PubMed 23674520 (cited by Counsyl); PubMed 35712814 (cited by OMIM); NCBI Bookshelf NBK1231 (cited by GeneReviews).

NM_052845.4(MMAB):c.571C>T (p.Arg191Trp)

Gene: MMAB (metabolism of cobalamin associated B; minus strand). Cytogenetic location: 12q24.11.
Variant type: single nucleotide variant.
Coding change: c.571C>T on transcript NM_052845.4 (MANE Select); coding-DNA position 571, C replaced by T.
Protein change: p.Arg191Trp; replaces arginine 191 with tryptophan.
Molecular consequence: missense variant. On other transcripts: non-coding transcript variant (1).
Genome position (GRCh38, 1-based): chr12:109,561,053, G>A on the plus strand (C>T on the coding strand, the complement: MMAB is on the minus strand). VCF-style: chr12-109561053-G-A. GRCh37 (hg19) VCF-style: chr12-109998858-G-A.
Other names: short protein forms R191W.
Identifiers: ClinVar variation 218324 (VCV000218324.31), dbSNP rs376128990, ClinGen allele CA347810.